The following is an entry in ClinVar:

ClinVar aggregate classification (germline): Conflicting classifications of pathogenicity. Review status: criteria provided, conflicting classifications (1 of 4 stars). 3 submissions from 3 submitters: Uncertain significance (2); Benign (1). Last evaluated 2025-12-01.

Conditions:
Inborn genetic diseases. Identifiers: MedGen C0950123, MeSH D030342.
Norman-Roberts syndrome (LIS2). Also called: Lissencephaly 2 (Norman-Roberts type). Identifiers: Orphanet 89844, MedGen C0796089, MONDO:0009760, OMIM 257320.
Familial temporal lobe epilepsy 7. Identifiers: Orphanet 101046, MedGen C4225327, MONDO:0014639, OMIM 616436.

Allele frequency attached by ClinVar (database versions not stated): gnomAD exomes 0.00001 and 0.00004; ExAC 0.00006; gnomAD 0.00010; TOPMed 0.00014; ESP Exome Variant Server 0.00023.
gnomAD v4.1: 25 of 1,613,002 alleles (0.0015%); highest among the groups gnomAD compares: African/African-American, 0.031%; no homozygotes.

Submissions (3):

Labcorp Genetics (formerly Invitae), Labcorp
Classification: Benign for Familial temporal lobe epilepsy 7; Norman-Roberts syndrome. Last evaluated: 2025-12-01. Review status: criteria provided, single submitter. Criteria: Invitae Variant Classification Sherloc (09022015). Collection method: clinical testing. Allele origin: germline.

Ambry Genetics
Classification: Uncertain significance for Inborn genetic diseases. Last evaluated: 2025-08-24. Review status: criteria provided, single submitter. Criteria: Ambry Variant Classification Scheme 2023. Collection method: clinical testing. Allele origin: germline.

GeneDx
Classification: Uncertain significance. Last evaluated: 2020-02-17. Review status: criteria provided, single submitter. Criteria: GeneDx Variant Classification Process June 2021. Collection method: clinical testing. Allele origin: germline. Affected: yes.
Comment: In silico analysis supports that this missense variant does not alter protein structure/function; Has not been previously published as pathogenic or benign to our knowledge

NM_005045.4(RELN):c.1655T>C (p.Val552Ala)

Gene: RELN (reelin; minus strand). Cytogenetic location: 7q22.1.
Variant type: single nucleotide variant.
Coding change: c.1655T>C on transcript NM_005045.4 (MANE Select); coding-DNA position 1655, T replaced by C.
Protein change: p.Val552Ala; replaces valine 552 with alanine.
Molecular consequence: missense variant.
Genome position (GRCh38, 1-based): chr7:103,652,659, A>G on the plus strand (T>C on the coding strand, the complement: RELN is on the minus strand). VCF-style: chr7-103652659-A-G. GRCh37 (hg19) VCF-style: chr7-103293106-A-G.
Other names: c.1655T>C, p.Val552Ala (NM_173054.3); short protein forms V552A.
Identifiers: ClinVar variation 1321015 (VCV001321015.8), dbSNP rs144116037, ClinGen allele CA4422210.